The following is an entry in ClinVar:

NM_032806.6(POMGNT2):c.397G>A (p.Val133Met)

Gene: POMGNT2 (protein O-linked mannose N-acetylglucosaminyltransferase 2 (beta 1,4-); minus strand). Cytogenetic location: 3p22.1.
Variant type: single nucleotide variant.
Coding change: c.397G>A on transcript NM_032806.6 (MANE Select); coding-DNA position 397, G replaced by A.
Protein change: p.Val133Met; replaces valine 133 with methionine.
Molecular consequence: missense variant.
Genome position (GRCh38, 1-based): chr3:43,081,035, C>T on the plus strand (G>A on the coding strand, the complement: POMGNT2 is on the minus strand). VCF-style: chr3-43081035-C-T. GRCh37 (hg19) VCF-style: chr3-43122527-C-T.
Other names: c.397G>A (NM_032806.4); short protein forms V133M.
Identifiers: ClinVar variation 663491 (VCV000663491.7), dbSNP rs139204684, ClinGen allele CA2340091.
Genomic context (GRCh38, chr3:43,081,035, plus strand): 5'-CCACGTCTGGCACGAACACCGGCTTGGGCATGAAGCGCAGGGCAGCAGCAGGCAGCTCCA[C>T]GAAGTTGAAGTACTGAGTGTTGTGGTCCTCCACGGTGGATAGGTCGAGCAGGGCTGGCTG-3'
Protein context (NP_116195.2, residues 123-143): EDHNTQYFNF[Val133Met]ELPAAALRFM

ClinVar aggregate classification (germline): Uncertain significance. Review status: criteria provided, multiple submitters, no conflicts (2 of 4 stars). 2 submissions from 2 submitters: Uncertain significance (2). Last evaluated 2025-04-18.

Conditions:
Inborn genetic diseases. Identifiers: MedGen C0950123, MeSH D030342.
Muscular dystrophy-dystroglycanopathy (congenital with brain and eye anomalies), type a, 8 (MDDGA8). Also called: WALKER-WARBURG SYNDROME OR MUSCLE-EYE-BRAIN DISEASE, GTDC2-RELATED. Identifiers: Orphanet 899, MedGen C3553813, MONDO:0013904, OMIM 614830.

Allele frequency attached by ClinVar (database versions not stated): TOPMed 0.00005; ExAC 0.00008; gnomAD 0.00004 and 0.00006; gnomAD exomes 0.00010 and 0.00002; 1000 Genomes Project 0.00040; 1000 Genomes Project 30x 0.00031.
gnomAD v4.1: 43 of 1,614,188 alleles (0.0027%); highest among the groups gnomAD compares: East Asian, 0.067%; no homozygotes.

Submissions (2):

Ambry Genetics
Classification: Uncertain significance for Inborn genetic diseases. Last evaluated: 2025-04-18. Review status: criteria provided, single submitter. Criteria: Ambry Variant Classification Scheme 2023. Collection method: clinical testing. Allele origin: germline.

Labcorp Genetics (formerly Invitae), Labcorp
Classification: Uncertain significance for Muscular dystrophy-dystroglycanopathy (congenital with brain and eye anomalies), type a, 8. Last evaluated: 2022-10-14. Review status: criteria provided, single submitter. Criteria: Invitae Variant Classification Sherloc (09022015). Collection method: clinical testing. Allele origin: germline.
Comment: This sequence change replaces valine, which is neutral and non-polar, with methionine, which is neutral and non-polar, at codon 133 of the POMGNT2 protein (p.Val133Met). This variant is present in population databases (rs139204684, gnomAD 0.1%). This variant has not been reported in the literature in individuals affected with POMGNT2-related conditions. ClinVar contains an entry for this variant (Variation ID: 663491). Advanced modeling of protein sequence and biophysical properties (such as structural, functional, and spatial information, amino acid conservation, physicochemical variation, residue mobility, and thermodynamic stability) performed at Invitae indicates that this missense variant is not expected to disrupt POMGNT2 protein function. In summary, the available evidence is currently insufficient to determine the role of this variant in disease. Therefore, it has been classified as a Variant of Uncertain Significance.